The following is an entry in ClinVar:

NM_002016.2(FLG):c.6395A>G (p.Gln2132Arg)

Genes: CCDST (cervical cancer associated DHX9 suppressive transcript; plus strand), FLG (filaggrin; minus strand). Cytogenetic location: 1q21.3.
Variant type: single nucleotide variant.
Coding change: c.6395A>G on transcript NM_002016.2 (MANE Select); coding-DNA position 6395, A replaced by G.
Protein change: p.Gln2132Arg; replaces glutamine 2132 with arginine.
Molecular consequence: missense variant.
Genome position (GRCh38, 1-based): chr1:152,308,491, T>C on the plus strand (A>G on the coding strand, the complement: FLG is on the minus strand). VCF-style: chr1-152308491-T-C. GRCh37 (hg19) VCF-style: chr1-152280967-T-C.
Other names: short protein forms Q2132R.
Identifiers: ClinVar variation 2431931 (VCV002431931.2), dbSNP rs1279861130, ClinGen allele CA342053437.

ClinVar aggregate classification (germline): Uncertain significance. Review status: criteria provided, multiple submitters, no conflicts (2 of 4 stars). 2 submissions from 2 submitters: Uncertain significance (2). Last evaluated 2025-09-21.

Conditions:
Dermatitis, atopic, 2. Identifiers: MedGen C1853965, MONDO:0011596, OMIM 605803.
Inborn genetic diseases. Identifiers: MedGen C0950123, MeSH D030342.

Allele frequency attached by ClinVar (database versions not stated): TOPMed below 0.00001; gnomAD exomes below 0.00001.

Submissions (2):

Ambry Genetics
Classification: Uncertain significance for Inborn genetic diseases. Last evaluated: 2025-09-21. Review status: criteria provided, single submitter. Criteria: Ambry Variant Classification Scheme 2023. Collection method: clinical testing. Allele origin: germline.

Laboratorio de Genetica e Diagnostico Molecular, Hospital Israelita Albert Einstein
Classification: Uncertain significance for Dermatitis, atopic, 2. Last evaluated: 2022-09-23. Review status: criteria provided, single submitter. Criteria: ACMG Guidelines, 2015. Collection method: clinical testing. Allele origin: germline. Affected: yes. Observed: 1 variant allele.
Comment: ACMG classification criteria: PM2 moderated, BP4 supporting